The following is an entry in ClinVar:

ClinVar aggregate classification (germline): Benign (1 of 4 stars; one submission).

Allele frequency attached by ClinVar (database versions not stated): TOPMed 0.03989; 1000 Genomes Project 0.04533; gnomAD 0.08710 and 0.08743.
gnomAD v4.1: 6,419 of 74,018 alleles (8.7%); highest among the groups gnomAD compares: Middle Eastern, 21%; 202 homozygotes.

Submission:

GeneDx
Classification: Benign. Last evaluated: 2018-06-18. Review status: criteria provided, single submitter. Criteria: GeneDx Variant Classification (06012015). Collection method: clinical testing. Allele origin: germline. Affected: yes.
Comment: This variant is considered likely benign or benign based on one or more of the following criteria: it is a conservative change, it occurs at a poorly conserved position in the protein, it is predicted to be benign by multiple in silico algorithms, and/or has population frequency not consistent with disease.

NM_001849.4(COL6A2):c.1332+290T>G

Gene: COL6A2 (collagen type VI alpha 2 chain; plus strand). Cytogenetic location: 21q22.3.
Variant type: single nucleotide variant.
Coding change: c.1332+290T>G on transcript NM_001849.4 (MANE Select); 290 bases into the intron after coding-DNA position 1332, T replaced by G.
Molecular consequence: intron variant.
Genome position (GRCh38, 1-based): chr21:46,120,140, T>G. VCF-style: chr21-46120140-T-G. GRCh37 (hg19) VCF-style: chr21-47540054-T-G.
Other names: c.1332+290T>G (NM_058175.3, NM_058174.3).
Identifiers: ClinVar variation 671690 (VCV000671690.1), dbSNP rs113862910, ClinGen allele CA321966355.